The following is an entry in ClinVar:

NM_203288.2(RP9):c.265A>G (p.Thr89Ala)

Gene: RP9 (RP9 pre-mRNA splicing factor; minus strand). Cytogenetic location: 7p14.3.
Variant type: single nucleotide variant.
Coding change: c.265A>G on transcript NM_203288.2 (MANE Select); coding-DNA position 265, A replaced by G.
Protein change: p.Thr89Ala; replaces threonine 89 with alanine.
Molecular consequence: missense variant.
Genome position (GRCh38, 1-based): chr7:33,099,355, T>C on the plus strand (A>G on the coding strand, the complement: RP9 is on the minus strand). VCF-style: chr7-33099355-T-C. GRCh37 (hg19) VCF-style: chr7-33138967-T-C.
Other names: short protein forms T89A.
Identifiers: ClinVar variation 2302638 (VCV002302638.7), dbSNP rs764812236, ClinGen allele CA4213777.

ClinVar aggregate classification (germline): Uncertain significance. Review status: criteria provided, multiple submitters, no conflicts (2 of 4 stars). 3 submissions from 3 submitters: Uncertain significance (3). Last evaluated 2025-03-28.

Conditions:
Retinal dystrophy. Also called: Inherited retinal dystrophy. Identifiers: Orphanet 71862, MedGen C0854723, MeSH D058499, MONDO:0019118, HP:0000556.

Allele frequency attached by ClinVar (database versions not stated): gnomAD 0.00001; TOPMed 0.00003; gnomAD exomes below 0.00001; ExAC 0.00002.
gnomAD v4.1: 9 of 1,613,750 alleles (0.00056%); highest among the groups gnomAD compares: South Asian, 0.0022%; no homozygotes.

Submissions (3):

Labcorp Genetics (formerly Invitae), Labcorp
Classification: Uncertain significance. Last evaluated: 2025-03-28. Review status: criteria provided, single submitter. Criteria: Invitae Variant Classification Sherloc (09022015). Collection method: clinical testing. Allele origin: germline.
Comment: This sequence change replaces threonine, which is neutral and polar, with alanine, which is neutral and non-polar, at codon 89 of the RP9 protein (p.Thr89Ala). This variant is present in population databases (rs764812236, gnomAD 0.003%). This variant has not been reported in the literature in individuals affected with RP9-related conditions. ClinVar contains an entry for this variant (Variation ID: 2302638). An algorithm developed to predict the effect of missense changes on protein structure and function (PolyPhen-2) suggests that this variant is likely to be disruptive. In summary, the available evidence is currently insufficient to determine the role of this variant in disease. Therefore, it has been classified as a Variant of Uncertain Significance.

Ambry Genetics
Classification: Uncertain significance. Last evaluated: 2025-03-22. Review status: criteria provided, single submitter. Criteria: Ambry Variant Classification Scheme 2023. Collection method: clinical testing. Allele origin: germline.

Dept Of Ophthalmology, Nagoya University
Classification: Uncertain significance for Retinal dystrophy. Last evaluated: 2023-10-01. Review status: criteria provided, single submitter. Criteria: Submitter's publication. Collection method: research. Allele origin: germline. Affected: yes.